The following is an entry in ClinVar:

NM_139276.3(STAT3):c.1241G>C (p.Arg414Thr)

Gene: STAT3 (signal transducer and activator of transcription 3; minus strand). Cytogenetic location: 17q21.2.
Variant type: single nucleotide variant.
Coding change: c.1241G>C on transcript NM_139276.3 (MANE Select); coding-DNA position 1241, G replaced by C.
Protein change: p.Arg414Thr; replaces arginine 414 with threonine.
Molecular consequence: missense variant.
Genome position (GRCh38, 1-based): chr17:42,329,450, C>G on the plus strand (G>C on the coding strand, the complement: STAT3 is on the minus strand). VCF-style: chr17-42329450-C-G. GRCh37 (hg19) VCF-style: chr17-40481468-C-G.
Other names: c.1241G>C, p.Arg414Thr (NM_001369512.1, NM_001369513.1, NM_001369514.1 and 7 more transcripts); short protein forms R414T.
Identifiers: ClinVar variation 947785 (VCV000947785.10), dbSNP rs2081894973, ClinGen allele CA399588504.
Genomic context (GRCh38, chr17:42,329,450, plus strand): 5'-TCATCCCCAACAAAACTTACATCACAATTGGCTCGGCCCCCATTCCCACATCTCTGCTCC[C>G]TCAGGGTCTGTAAGAAAAGAAAAAGGCAGGTGTCCTGTGAGGCTCTCCCTAGCCCTCTCC-3'
Protein context (NP_644805.1, residues 404-424): LSAEFKHLTL[Arg414Thr]EQRCGNGGRA

ClinVar aggregate classification (germline): Uncertain significance (1 of 4 stars; one submission).

Conditions:
Hyper-IgE recurrent infection syndrome 1, autosomal dominant. Also called: STAT3 Hyper IgE Syndrome; JOB SYNDROME; Hyper-IgE recurrent infection syndrome 1; HYPER-IgE SYNDROME 1, AUTOSOMAL DOMINANT, WITH RECURRENT INFECTIONS; Job's Syndrome. Identifiers: Orphanet 2314, MedGen C2936739, MONDO:0007818, OMIM 147060.
STAT3 gain of function. Identifiers: MedGen C4288261.

Submission:

Labcorp Genetics (formerly Invitae), Labcorp
Classification: Uncertain significance for STAT3 gain of function; Hyper-IgE recurrent infection syndrome 1, autosomal dominant. Last evaluated: 2019-04-11. Review status: criteria provided, single submitter. Criteria: Invitae Variant Classification Sherloc (09022015). Collection method: clinical testing. Allele origin: germline.
Comment: In summary, the available evidence is currently insufficient to determine the role of this variant in disease. Therefore, it has been classified as a Variant of Uncertain Significance. Algorithms developed to predict the effect of missense changes on protein structure and function are either unavailable or do not agree on the potential impact of this missense change (SIFT: "Deleterious"; PolyPhen-2: "Benign"; Align-GVGD: "Class C0"). This sequence change replaces arginine with threonine at codon 414 of the STAT3 protein (p.Arg414Thr). The arginine residue is highly conserved and there is a moderate physicochemical difference between arginine and threonine. This variant is not present in population databases (ExAC no frequency). This variant has not been reported in the literature in individuals with STAT3-related conditions.